The following is an entry in ClinVar:

ClinVar aggregate classification (germline): Uncertain significance (1 of 4 stars; one submission).

Conditions:
Hereditary cancer-predisposing syndrome. Also called: Tumor predisposition; Hereditary neoplastic syndrome; Hereditary Cancer Syndrome; Neoplastic Syndromes, Hereditary. Identifiers: Orphanet 140162, MedGen C0027672, MeSH D009386, MONDO:0015356.

Submission:

Ambry Genetics
Classification: Uncertain significance for Hereditary cancer-predisposing syndrome. Last evaluated: 2025-05-01. Review status: criteria provided, single submitter. Criteria: Ambry Variant Classification Scheme 2023. Collection method: clinical testing. Allele origin: germline.
Comment: The p.F1539I variant (also known as c.4615T>A), located in coding exon 31 of the SMARCA4 gene, results from a T to A substitution at nucleotide position 4615. The phenylalanine at codon 1539 is replaced by isoleucine, an amino acid with highly similar properties. This amino acid position is conserved. In addition, this alteration is predicted to be tolerated by in silico analysis. Based on the available evidence, the clinical significance of this variant remains unclear.

NM_003072.5(SMARCA4):c.4519T>A (p.Phe1507Ile)

Gene: SMARCA4 (SWI/SNF related BAF chromatin remodeling complex subunit ATPase 4; plus strand). Cytogenetic location: 19p13.2.
Variant type: single nucleotide variant.
Coding change: c.4519T>A on transcript NM_003072.5 (MANE Select); coding-DNA position 4519, T replaced by A.
Protein change: p.Phe1507Ile; replaces phenylalanine 1507 with isoleucine.
Molecular consequence: missense variant. On other transcripts: non-coding transcript variant (1).
Genome position (GRCh38, 1-based): chr19:11,058,349, T>A. VCF-style: chr19-11058349-T-A. GRCh37 (hg19) VCF-style: chr19-11169025-T-A.
Other names: c.4519T>A, p.Phe1507Ile (NM_001128844.3); c.4429T>A, p.Phe1477Ile (NM_001128845.2); c.4426T>A, p.Phe1476Ile (NM_001128846.2); c.4420T>A, p.Phe1474Ile (NM_001128847.4, NM_001374457.1); c.4417T>A, p.Phe1473Ile (NM_001128848.2); c.4615T>A, p.Phe1539Ile (NM_001128849.3, NM_001387283.1); c.4516T>A, p.Phe1506Ile (NM_001411150.1); short protein forms F1476I, F1473I, F1477I, F1507I, F1539I, F1474I, F1506I.
Identifiers: ClinVar variation 3958449 (VCV003958449.1).
Genomic context (GRCh38, chr19:11,058,349, plus strand): 5'-CAGCTGCCCTCGCGAAAGGAGCTGCCCGAGTACTACGAGCTCATCCGCAAGCCCGTGGAC[T>A]TCAAGAAGATAAAGGTAACCCTGACGTTGTACCTGCGCCCCGCATGTGCCCGGAGGGGAG-3'
Protein context (NP_003063.2, residues 1497-1517): YYELIRKPVD[Phe1507Ile]KKIKERIRNH